The following is an entry in ClinVar:

ClinVar aggregate classification (germline): Uncertain significance (1 of 4 stars; one submission).

Conditions:
Nephronophthisis. Also called: Juvenile Nephronophthisis. Identifiers: Orphanet 655, MedGen C0687120, MONDO:0019005, HP:0000090.

Submission:

Labcorp Genetics (formerly Invitae), Labcorp
Classification: Uncertain significance for Nephronophthisis. Last evaluated: 2025-01-06. Review status: criteria provided, single submitter. Criteria: Invitae Variant Classification Sherloc (09022015). Collection method: clinical testing. Allele origin: germline.
Comment: This sequence change replaces valine, which is neutral and non-polar, with leucine, which is neutral and non-polar, at codon 1293 of the NPHP4 protein (p.Val1293Leu). This variant is not present in population databases (gnomAD no frequency). This variant has not been reported in the literature in individuals affected with NPHP4-related conditions. ClinVar contains an entry for this variant (Variation ID: 1478178). Invitae Evidence Modeling of protein sequence and biophysical properties (such as structural, functional, and spatial information, amino acid conservation, physicochemical variation, residue mobility, and thermodynamic stability) indicates that this missense variant is not expected to disrupt NPHP4 protein function with a negative predictive value of 80%. In summary, the available evidence is currently insufficient to determine the role of this variant in disease. Therefore, it has been classified as a Variant of Uncertain Significance.

NM_015102.5(NPHP4):c.3877G>T (p.Val1293Leu)

Gene: NPHP4 (nephrocystin 4; minus strand). Cytogenetic location: 1p36.31.
Variant type: single nucleotide variant.
Coding change: c.3877G>T on transcript NM_015102.5 (MANE Select); coding-DNA position 3877, G replaced by T.
Protein change: p.Val1293Leu; replaces valine 1293 with leucine.
Molecular consequence: missense variant. On other transcripts: non-coding transcript variant (1).
Genome position (GRCh38, 1-based): chr1:5,864,457, C>A on the plus strand (G>T on the coding strand, the complement: NPHP4 is on the minus strand). VCF-style: chr1-5864457-C-A. GRCh37 (hg19) VCF-style: chr1-5924517-C-A.
Other names: c.2338G>T, p.Val780Leu (NM_001291593.2); c.2341G>T, p.Val781Leu (NM_001291594.2); short protein forms V780L, V1293L, V781L.
Identifiers: ClinVar variation 1478178 (VCV001478178.8), dbSNP rs769488870, ClinGen allele CA553433.
Genomic context (GRCh38, chr1:5,864,457, plus strand): 5'-GGCAATCCACGTCCACCAGGTTGAGATGGACAAAGCGGCTGCCGGCCCTAAGGGGCCTCA[C>A]GCCAACATGCAGGTCCTGCACCCCACGAGGCGGCAGCACGAAGACACCTTTGGGGTCTGT-3'
Protein context (NP_055917.1, residues 1283-1303): PRGVQDLHVG[Val1293Leu]RPLRAGSRFV